The following is an entry in ClinVar:

NM_173648.4(CCDC141):c.59C>T (p.Ala20Val)

Genes: CCDC141 (coiled-coil domain containing 141; minus strand), LOC129935191 (ATAC-STARR-seq lymphoblastoid active region 16816; plus strand). Cytogenetic location: 2q31.2.
Variant type: single nucleotide variant.
Coding change: c.59C>T on transcript NM_173648.4 (MANE Select); coding-DNA position 59, C replaced by T.
Protein change: p.Ala20Val; replaces alanine 20 with valine.
Molecular consequence: missense variant.
Genome position (GRCh38, 1-based): chr2:179,049,883, G>A on the plus strand (C>T on the coding strand, the complement: CCDC141 is on the minus strand). VCF-style: chr2-179049883-G-A. GRCh37 (hg19) VCF-style: chr2-179914610-G-A.
Other names: c.59C>T, p.Ala20Val (NM_001316745.2); short protein forms A20V.
Identifiers: ClinVar variation 2817637 (VCV002817637.3), dbSNP rs1169244649, ClinGen allele CA349446700.

ClinVar aggregate classification (germline): Uncertain significance (1 of 4 stars; one submission).

Allele frequency attached by ClinVar (database versions not stated): TOPMed 0.00001.

Submission:

Labcorp Genetics (formerly Invitae), Labcorp
Classification: Uncertain significance. Last evaluated: 2023-08-17. Review status: criteria provided, single submitter. Criteria: Invitae Variant Classification Sherloc (09022015). Collection method: clinical testing. Allele origin: germline.
Comment: In summary, the available evidence is currently insufficient to determine the role of this variant in disease. Therefore, it has been classified as a Variant of Uncertain Significance. An algorithm developed to predict the effect of missense changes on protein structure and function (PolyPhen-2) suggests that this variant is likely to be disruptive. This variant has not been reported in the literature in individuals affected with CCDC141-related conditions. This variant is not present in population databases (gnomAD no frequency). This sequence change replaces alanine, which is neutral and non-polar, with valine, which is neutral and non-polar, at codon 20 of the CCDC141 protein (p.Ala20Val).